The following is an entry in ClinVar:

ClinVar aggregate classification (germline): Uncertain significance (1 of 4 stars; one submission).

Allele frequency attached by ClinVar (database versions not stated): gnomAD exomes 0.00001 and 0.00002; ExAC 0.00003; gnomAD 0.00003 and 0.00004; TOPMed 0.00007; ESP Exome Variant Server 0.00015.
gnomAD v4.1: 17 of 1,597,082 alleles (0.0011%); highest among the groups gnomAD compares: African/African-American, 0.0068%; no homozygotes.

Submission:

Labcorp Genetics (formerly Invitae), Labcorp
Classification: Uncertain significance. Last evaluated: 2022-07-11. Review status: criteria provided, single submitter. Criteria: Invitae Variant Classification Sherloc (09022015). Collection method: clinical testing. Allele origin: germline.
Comment: This sequence change replaces glycine, which is neutral and non-polar, with serine, which is neutral and polar, at codon 599 of the IMPG2 protein (p.Gly599Ser). This variant is present in population databases (rs368525575, gnomAD 0.01%). This variant has not been reported in the literature in individuals affected with IMPG2-related conditions. ClinVar contains an entry for this variant (Variation ID: 859792). Algorithms developed to predict the effect of missense changes on protein structure and function output the following: SIFT: "Tolerated"; PolyPhen-2: "Benign"; Align-GVGD: "Class C0". The serine amino acid residue is found in multiple mammalian species, which suggests that this missense change does not adversely affect protein function. In summary, the available evidence is currently insufficient to determine the role of this variant in disease. Therefore, it has been classified as a Variant of Uncertain Significance.

NM_016247.4(IMPG2):c.1795G>A (p.Gly599Ser)

Gene: IMPG2 (interphotoreceptor matrix proteoglycan 2; minus strand). Cytogenetic location: 3q12.3.
Variant type: single nucleotide variant.
Coding change: c.1795G>A on transcript NM_016247.4 (MANE Select); coding-DNA position 1795, G replaced by A.
Protein change: p.Gly599Ser; replaces glycine 599 with serine.
Molecular consequence: missense variant.
Genome position (GRCh38, 1-based): chr3:101,244,536, C>T on the plus strand (G>A on the coding strand, the complement: IMPG2 is on the minus strand). VCF-style: chr3-101244536-C-T. GRCh37 (hg19) VCF-style: chr3-100963380-C-T.
Other names: short protein forms G599S.
Identifiers: ClinVar variation 859792 (VCV000859792.8), dbSNP rs368525575, ClinGen allele CA2519089.
Genomic context (GRCh38, chr3:101,244,536, plus strand): 5'-TCTCACTCCATGGCCAAGTAATCAGATCTACCTTTTGCCCAGACCCTGAACCTAAACCAC[C>T]GTCAAATATTAACTCTTTTTCCATGGATGCATCTGGCAGGAAAGGGCTCACTTTTAATTG-3'
Protein context (NP_057331.2, residues 589-609): ASMEKELIFD[Gly599Ser]GLGSGSGQKV